The following is an entry in ClinVar:

NM_004606.5(TAF1):c.3676C>T (p.Arg1226Trp)

Gene: TAF1 (TATA-box binding protein associated factor 1; plus strand). Cytogenetic location: Xq13.1.
Variant type: single nucleotide variant.
Coding change: c.3676C>T on transcript NM_004606.5 (MANE Select); coding-DNA position 3676, C replaced by T.
Protein change: p.Arg1226Trp; replaces arginine 1226 with tryptophan.
Molecular consequence: missense variant. On other transcripts: non-coding transcript variant (9).
Genome position (GRCh38, 1-based): chrX:71,398,627, C>T. VCF-style: chrX-71398627-C-T. GRCh37 (hg19) VCF-style: chrX-70618477-C-T.
Other names: R1246W; c.3676C>T, p.Arg1226Trp (NM_001286074.2); c.3613C>T, p.Arg1205Trp (NM_138923.4); c.3736C>T (NM_004606.4); short protein forms R1205W, R1226W.
Identifiers: ClinVar variation 219116 (VCV000219116.47), dbSNP rs864321629, ClinGen allele CA279920.

ClinVar aggregate classification (germline): Conflicting classifications of pathogenicity. Review status: criteria provided, conflicting classifications (1 of 4 stars). 6 submissions from 6 submitters: Pathogenic (1); Likely pathogenic (1); Uncertain significance (1). 3 of the submissions do not count toward it. Last evaluated 2022-12-01.

Conditions:
Intellectual developmental disorder, X-linked, syndromic 33. Also called: X-linked intellectual disability-global development delay-facial dysmorphism-sacral caudal remnant syndrome; Intellectual disability, X-linked, syndromic 33. Identifiers: Orphanet 480907, MedGen C4225418, MONDO:0010500, OMIM 300966.
Abnormal heart morphology. Also called: Heart, malformation of; Abnormality of cardiac morphology. Identifiers: MedGen C0018798, MeSH D006330, HP:0001627.

Submissions (6):

Revvity Omics, Revvity
Classification: Uncertain significance. Last evaluated: 2022-12-01. Review status: criteria provided, single submitter. Criteria: ACMG Guidelines, 2015. Collection method: clinical testing. Allele origin: germline.

Genome Medicine, Institute for Basic Research in Developmental Disabilities
Classification: Pathogenic for Intellectual developmental disorder, X-linked, syndromic 33. Last evaluated: 2022-08-08. Review status: criteria provided, single submitter. Criteria: O'Rawe JA et al. (Am J Hum Genet 2015). Collection method: clinical testing. Allele origin: de novo. Affected: yes. Observed: 1 variant allele.

CeGaT Center for Human Genetics Tuebingen
Classification: Likely pathogenic. Last evaluated: 2020-05-01. Review status: criteria provided, single submitter. Criteria: CeGaT Center For Human Genetics Tuebingen Variant Classification Criteria Version 2. Collection method: clinical testing. Allele origin: germline. Affected: yes. Observed: 2 variant alleles.

Solve-RD Consortium
Classification: Likely pathogenic for Intellectual developmental disorder, X-linked, syndromic 33. Last evaluated: 2022-06-01. Review status: no assertion criteria provided. Collection method: provider interpretation. Allele origin: inherited. Affected: yes. Not counted in ClinVar's aggregate classification.
Comment: Variant confirmed as disease-causing by referring clinical team

Variant identified during reanalysis of unsolved cases by the Solve-RD project. The Solve-RD project has received funding from the European Union’s Horizon 2020 research and innovation programme under grant agreement No 779257.

Yale Center for Mendelian Genomics, Yale University
Classification: association for Abnormal heart morphology. Last evaluated: 2020-06-13. Review status: no assertion criteria provided. Collection method: literature only. Allele origin: de novo. Affected: yes. Observed: 1 heterozygote. Study: Yale Center for Mendelian Genomics. Not counted in ClinVar's aggregate classification.

OMIM
Classification: Pathogenic for INTELLECTUAL DEVELOPMENTAL DISORDER, X-LINKED, SYNDROMIC 33. Last evaluated: 2015-12-03. Review status: no assertion criteria provided. Collection method: literature only. Allele origin: germline. Not counted in ClinVar's aggregate classification.

Literature cited by the submitters: PubMed 39825153 (cited by Solve-RD Consortium); PubMed 32396742 (cited by Yale Center for Mendelian Genomics, Yale University); PubMed 26637982 (cited by OMIM).